The following is an entry in ClinVar:

NM_019066.5(MAGEL2):c.515C>G (p.Pro172Arg)

Gene: MAGEL2 (MAGE family member L2; minus strand). Cytogenetic location: 15q11.2.
Variant type: single nucleotide variant.
Coding change: c.515C>G on transcript NM_019066.5 (MANE Select); coding-DNA position 515, C replaced by G.
Protein change: p.Pro172Arg; replaces proline 172 with arginine.
Molecular consequence: missense variant.
Genome position (GRCh38, 1-based): chr15:23,647,228, G>C on the plus strand (C>G on the coding strand, the complement: MAGEL2 is on the minus strand). VCF-style: chr15-23647228-G-C. GRCh37 (hg19) VCF-style: chr15-23892375-G-C.
Other names: short protein forms P172R.
Identifiers: ClinVar variation 4775074 (VCV004775074.1).

ClinVar aggregate classification (germline): Uncertain significance (1 of 4 stars; one submission).

gnomAD v4.1: 1 of 1,524,820 alleles (0.000066%); highest among the groups gnomAD compares: African/African-American, 0.0014%; no homozygotes.

Submission:

Labcorp Genetics (formerly Invitae), Labcorp
Classification: Uncertain significance. Last evaluated: 2025-10-02. Review status: criteria provided, single submitter. Criteria: Invitae Variant Classification Sherloc (09022015). Collection method: clinical testing. Allele origin: germline.
Comment: This sequence change replaces proline, which is neutral and non-polar, with arginine, which is basic and polar, at codon 172 of the MAGEL2 protein (p.Pro172Arg). This variant is present in population databases (no rsID available, gnomAD 0.01%). This variant has not been reported in the literature in individuals affected with MAGEL2-related conditions. Experimental studies and prediction algorithms are not available or were not evaluated, and the functional significance of this variant is currently unknown. In summary, the available evidence is currently insufficient to determine the role of this variant in disease. Therefore, it has been classified as a Variant of Uncertain Significance.